The following is an entry in ClinVar:

NM_145059.3(FCSK):c.227G>T (p.Gly76Val)

Gene: FCSK (fucose kinase; plus strand). Cytogenetic location: 16q22.1.
Variant type: single nucleotide variant.
Coding change: c.227G>T on transcript NM_145059.3 (MANE Select); coding-DNA position 227, G replaced by T.
Protein change: p.Gly76Val; replaces glycine 76 with valine.
Molecular consequence: missense variant.
Genome position (GRCh38, 1-based): chr16:70,463,767, G>T. VCF-style: chr16-70463767-G-T. GRCh37 (hg19) VCF-style: chr16-70497670-G-T.
Other names: short protein forms G76V.
Identifiers: ClinVar variation 4778061 (VCV004778061.1).

ClinVar aggregate classification (germline): Uncertain significance (1 of 4 stars; one submission).

gnomAD v4.1: 6 of 1,608,632 alleles (0.00037%); highest among the groups gnomAD compares: African/African-American, 0.008%; no homozygotes.

Submission:

Labcorp Genetics (formerly Invitae), Labcorp
Classification: Uncertain significance. Last evaluated: 2026-01-25. Review status: criteria provided, single submitter. Criteria: Invitae Variant Classification Sherloc (09022015). Collection method: clinical testing. Allele origin: germline.
Comment: This sequence change replaces glycine, which is neutral and non-polar, with valine, which is neutral and non-polar, at codon 76 of the FUK protein (p.Gly76Val). This variant is not present in population databases (gnomAD no frequency). This variant has not been reported in the literature in individuals affected with FUK-related conditions. An algorithm developed to predict the effect of missense changes on protein structure and function (PolyPhen-2) suggests that this variant is likely to be disruptive. In summary, the available evidence is currently insufficient to determine the role of this variant in disease. Therefore, it has been classified as a Variant of Uncertain Significance.